The following is an entry in ClinVar:

NM_001365276.2(TNXB):c.10454A>G (p.Asp3485Gly)

Gene: TNXB (tenascin XB; minus strand). Cytogenetic location: 6p21.33.
Variant type: single nucleotide variant.
Coding change: c.10454A>G on transcript NM_001365276.2 (MANE Select); coding-DNA position 10454, A replaced by G.
Protein change: p.Asp3485Gly; replaces aspartic acid 3485 with glycine.
Molecular consequence: missense variant.
Genome position (GRCh38, 1-based): chr6:32,046,327, T>C on the plus strand (A>G on the coding strand, the complement: TNXB is on the minus strand). VCF-style: chr6-32046327-T-C. GRCh37 (hg19) VCF-style: chr6-32014104-T-C.
Other names: p.Asp3483Gly; c.10448A>G, p.Asp3483Gly (NM_019105.8); short protein forms D3483G, D3485G.
Identifiers: ClinVar variation 1187128 (VCV001187128.40), dbSNP rs371565354, ClinGen allele CA3733223.

ClinVar aggregate classification (germline): Uncertain significance. Review status: criteria provided, multiple submitters, no conflicts (2 of 4 stars). 5 submissions from 5 submitters: Uncertain significance (5). Last evaluated 2026-05-19.

Conditions:
Cardiovascular phenotype. Identifiers: MedGen CN230736.

Allele frequency attached by ClinVar (database versions not stated): gnomAD 0.00006 and 0.00007; TOPMed 0.00006; gnomAD exomes 0.00007; ExAC 0.00008; ESP Exome Variant Server 0.00025.
gnomAD v4.1: 139 of 1,606,438 alleles (0.0087%); highest among the groups gnomAD compares: Non-Finnish European, 0.011%; no homozygotes.

Submissions (5):

Women's Health and Genetics/Laboratory Corporation of America, LabCorp
Classification: Uncertain significance. Last evaluated: 2026-05-19. Review status: criteria provided, single submitter. Criteria: LabCorp Variant Classification Summary - May 2015. Collection method: clinical testing. Allele origin: germline.
Comment: Variant summary: TNXB c.10448A>G (p.Asp3483Gly) results in a non-conservative amino acid change in the encoded protein sequence. Algorithms developed to predict the effect of missense changes on protein structure and function are either unavailable or do not agree on the potential impact of this missense change. The variant allele was found at a frequency of 6.6e-05 in 244126 control chromosomes. This frequency is not significantly higher than estimated for disease-causing variants in TNXB, allowing no conclusion about variant significance. To our knowledge, no occurrence of c.10448A>G in individuals affected with TNXB-related conditions and no experimental evidence demonstrating its impact on protein function have been reported. ClinVar contains an entry for this variant (Variation ID: 1187128). Based on the evidence outlined above, the variant was classified as uncertain significance.

CeGaT Center for Human Genetics Tuebingen
Classification: Uncertain significance. Last evaluated: 2026-04-01. Review status: criteria provided, single submitter. Criteria: CeGaT Center For Human Genetics Tuebingen Variant Classification Criteria Version 2. Collection method: clinical testing. Allele origin: germline. Affected: yes. Observed: 2 variant alleles.
Comment: TNXB: PM2, BP4

Ambry Genetics
Classification: Uncertain significance for Cardiovascular phenotype. Last evaluated: 2025-03-28. Review status: criteria provided, single submitter. Criteria: Ambry Variant Classification Scheme 2023. Collection method: clinical testing. Allele origin: germline.
Comment: The p.D3483G variant (also known as c.10448A>G), located in coding exon 30 of the TNXB gene, results from an A to G substitution at nucleotide position 10448. The aspartic acid at codon 3483 is replaced by glycine, an amino acid with similar properties. This amino acid position is well conserved in available vertebrate species. In addition, this alteration is predicted to be tolerated by in silico analysis. Based on the available evidence, the clinical significance of this variant remains unclear.

Mayo Clinic Laboratories, Mayo Clinic
Classification: Uncertain significance. Last evaluated: 2025-01-29. Review status: criteria provided, single submitter. Criteria: ACMG Guidelines, 2015. Collection method: clinical testing. Allele origin: germline. Observed: 1 variant allele.
Comment: BP4

GeneDx
Classification: Uncertain significance. Last evaluated: 2024-07-09. Review status: criteria provided, single submitter. Criteria: GeneDx Variant Classification Process June 2021. Collection method: clinical testing. Allele origin: germline. Affected: yes.
Comment: Has not been previously published as pathogenic or benign to our knowledge; In silico analysis supports that this missense variant has a deleterious effect on protein structure/function